The following is an entry in ClinVar:

ClinVar aggregate classification (germline): Likely benign. Review status: criteria provided, multiple submitters, no conflicts (2 of 4 stars). 6 submissions from 6 submitters: Likely benign (5). 1 of the submissions does not count toward it. Last evaluated 2026-01-13.

Conditions:
Developmental and epileptic encephalopathy, 18 (DEE18). Also called: Early infantile epileptic encephalopathy 18. Identifiers: Orphanet 369894, MedGen C3809624, MONDO:0014201, OMIM 615476.
Inborn genetic diseases. Identifiers: MedGen C0950123, MeSH D030342.
SZT2-related disorder. Also called: SZT2-related condition.

Allele frequency attached by ClinVar (database versions not stated): gnomAD 0.00009 and 0.00012; TOPMed 0.00011; ExAC 0.00020; gnomAD exomes 0.00022; 1000 Genomes Project 30x 0.00094; 1000 Genomes Project 0.00100.

Submissions (6):

Labcorp Genetics (formerly Invitae), Labcorp
Classification: Likely benign. Last evaluated: 2026-01-13. Review status: criteria provided, single submitter. Criteria: Invitae Variant Classification Sherloc (09022015). Collection method: clinical testing. Allele origin: germline.

Blueprint Genetics
Classification: Likely benign. Last evaluated: 2024-10-17. Review status: criteria provided, single submitter. Criteria: ACMG Guidelines, 2015. Collection method: clinical testing. Allele origin: germline.

Ambry Genetics
Classification: Likely benign for Inborn genetic diseases. Last evaluated: 2024-02-17. Review status: criteria provided, single submitter. Criteria: Ambry Variant Classification Scheme 2023. Collection method: clinical testing. Allele origin: germline.

Genome-Nilou Lab
Classification: Likely benign for Developmental and epileptic encephalopathy, 18. Last evaluated: 2023-04-11. Review status: criteria provided, single submitter. Criteria: ACMG Guidelines, 2015. Collection method: clinical testing. Allele origin: germline. Affected: no.

GeneDx
Classification: Likely benign. Last evaluated: 2019-03-20. Review status: criteria provided, single submitter. Criteria: GeneDx Variant Classification Process June 2021. Collection method: clinical testing. Allele origin: germline. Affected: yes.

PreventionGenetics, part of Exact Sciences
Classification: Likely benign for SZT2-related condition. Last evaluated: 2023-01-03. Review status: no assertion criteria provided. Collection method: clinical testing. Allele origin: germline. Not counted in ClinVar's aggregate classification.
Comment: This variant is classified as likely benign based on ACMG/AMP sequence variant interpretation guidelines (Richards et al. 2015 PMID: 25741868, with internal and published modifications).

NM_001365999.1(SZT2):c.3251C>T (p.Pro1084Leu)

Gene: SZT2 (SZT2 subunit of KICSTOR complex; plus strand). Cytogenetic location: 1p34.2.
Variant type: single nucleotide variant.
Coding change: c.3251C>T on transcript NM_001365999.1 (MANE Select); coding-DNA position 3251, C replaced by T.
Protein change: p.Pro1084Leu; replaces proline 1084 with leucine.
Molecular consequence: missense variant.
Genome position (GRCh38, 1-based): chr1:43,426,751, C>T. VCF-style: chr1-43426751-C-T. GRCh37 (hg19) VCF-style: chr1-43892422-C-T.
Other names: c.3080C>T, p.Pro1027Leu (NM_015284.4); short protein forms P1027L, P1084L.
Identifiers: ClinVar variation 589108 (VCV000589108.22), dbSNP rs373408367, ClinGen allele CA808927.
Genomic context (GRCh38, chr1:43,426,751, plus strand): 5'-CACCCATCTCTACCCCCATTGTAGGTGCCGAGGGGCCACTGCTGGGGGTTCATGGGATCC[C>T]GAAGGAGCAAGCAGTCGGCAGCACCCAGGCCACAGGAGACTCCGCTTTTACTTCCCTGGT-3'
Protein context (NP_001352928.1, residues 1074-1094): EGPLLGVHGI[Pro1084Leu]KEQAVGSTQA